The following is an entry in ClinVar:

NM_000268.4(NF2):c.445A>G (p.Lys149Glu)

Gene: NF2 (NF2, moesin-ezrin-radixin like (MERLIN) tumor suppressor; plus strand). Cytogenetic location: 22q12.2.
Variant type: single nucleotide variant.
Coding change: c.445A>G on transcript NM_000268.4 (MANE Select); coding-DNA position 445, A replaced by G.
Protein change: p.Lys149Glu; replaces lysine 149 with glutamic acid.
Molecular consequence: missense variant. On other transcripts: 5 prime UTR variant (1), non-coding transcript variant (1).
Genome position (GRCh38, 1-based): chr22:29,642,283, A>G. VCF-style: chr22-29642283-A-G. GRCh37 (hg19) VCF-style: chr22-30038272-A-G.
Other names: c.322A>G, p.Lys108Glu (NM_001407054.1, NM_001407058.1, NM_001407062.1 and 1 more transcripts); c.319A>G, p.Lys107Glu (NM_001407055.1, NM_181828.3); c.331A>G, p.Lys111Glu (NM_001407053.1, NM_001407056.1); c.445A>G, p.Lys149Glu (NM_001407057.1, NM_001407059.1, NM_001407060.1 and 5 more transcripts); c.196A>G, p.Lys66Glu (NM_001407063.1, NM_001407064.1, NM_181830.3 and 1 more transcripts); c.-196A>G (NM_001407065.1); c.214A>G, p.Lys72Glu (NM_001407067.1); short protein forms K108E, K107E, K149E, K66E, K111E, K72E.
Identifiers: ClinVar variation 2587705 (VCV002587705.2), dbSNP rs1160614926, ClinGen allele CA411153888.
Genomic context (GRCh38, chr22:29,642,283, plus strand): 5'-GAAAAGATCTACTGCCCTCCTGAGGCTTCTGTGCTCCTGGCTTCTTACGCCGTCCAGGCC[A>G]AGGTAGGCTCAAAGAAGAAAAATGTATTTTTCCTGGGCGTTAATTTGGGTCATGGGATCA-3'
Protein context (NP_000259.1, residues 139-159): VLLASYAVQA[Lys149Glu]YGDYDPSVHK

ClinVar aggregate classification (germline): Uncertain significance (1 of 4 stars; one submission).

Conditions:
Hereditary cancer-predisposing syndrome. Also called: Tumor predisposition; Hereditary Cancer Syndrome; Hereditary neoplastic syndrome; Neoplastic Syndromes, Hereditary. Identifiers: Orphanet 140162, MedGen C0027672, MeSH D009386, MONDO:0015356.

Allele frequency attached by ClinVar (database versions not stated): gnomAD exomes below 0.00001.
gnomAD v4.1: 1 of 1,613,880 alleles (0.000062%); highest among the groups gnomAD compares: South Asian, 0.0011%; no homozygotes.

Submission:

Ambry Genetics
Classification: Uncertain significance for Hereditary cancer-predisposing syndrome. Last evaluated: 2023-08-17. Review status: criteria provided, single submitter. Criteria: Ambry Variant Classification Scheme 2023. Collection method: clinical testing. Allele origin: germline.
Comment: The p.K149E variant (also known as c.445A>G), located in coding exon 4 of the NF2 gene, results from an A to G substitution at nucleotide position 445. The lysine at codon 149 is replaced by glutamic acid, an amino acid with similar properties. This amino acid position is well conserved in available vertebrate species. In addition, the in silico prediction for this alteration is inconclusive. Since supporting evidence is limited at this time, the clinical significance of this alteration remains unclear.